The following is an entry in ClinVar:

ClinVar aggregate classification (germline): Pathogenic (1 of 4 stars; one submission).

Submission:

GeneDx
Classification: Pathogenic. Last evaluated: 2023-11-18. Review status: criteria provided, single submitter. Criteria: GeneDx Variant Classification Process June 2021. Collection method: clinical testing. Allele origin: germline. Affected: yes.
Comment: Not observed at significant frequency in large population cohorts (gnomAD); In silico analysis supports that this missense variant has a deleterious effect on protein structure/function; Has not been previously published as pathogenic or benign to our knowledge

NM_178014.4(TUBB):c.716G>C (p.Cys239Ser)

Gene: TUBB (tubulin beta class I; plus strand). Cytogenetic location: 6p21.33.
Variant type: single nucleotide variant.
Coding change: c.716G>C on transcript NM_178014.4 (MANE Select); coding-DNA position 716, G replaced by C.
Protein change: p.Cys239Ser; replaces cysteine 239 with serine.
Molecular consequence: missense variant. On other transcripts: intron variant (1).
Genome position (GRCh38, 1-based): chr6:30,723,778, G>C. VCF-style: chr6-30723778-G-C. GRCh37 (hg19) VCF-style: chr6-30691555-G-C.
Other names: c.776G>C, p.Cys259Ser (NM_001293212.2); c.584G>C, p.Cys195Ser (NM_001293214.2); c.500G>C, p.Cys167Ser (NM_001293215.2, NM_001293216.2); c.370-260G>C (NM_001293213.2); short protein forms C167S, C195S, C239S, C259S.
Identifiers: ClinVar variation 3343929 (VCV003343929.1).
Genomic context (GRCh38, chr6:30,723,778, plus strand): 5'-CACCAACCTACGGGGATCTGAACCACCTTGTCTCAGCCACCATGAGTGGTGTCACCACCT[G>C]CCTCCGTTTCCCTGGCCAGCTCAATGCTGACCTCCGCAAGTTGGCAGTCAACATGGTCCC-3'
Protein context (NP_821133.1, residues 229-249): VSATMSGVTT[Cys239Ser]LRFPGQLNAD